The following is an entry in ClinVar:

NM_001358530.2(MOCS1):c.51C>T (p.Ser17=)

Gene: MOCS1 (molybdenum cofactor synthesis 1; minus strand). Cytogenetic location: 6p21.2.
Variant type: single nucleotide variant.
Coding change: c.51C>T on transcript NM_001358530.2 (MANE Select); coding-DNA position 51, C replaced by T.
Protein change: p.Ser17=; no amino-acid change (serine 17 retained).
Molecular consequence: synonymous variant. On other transcripts: 5 prime UTR variant (2), non-coding transcript variant (1).
Genome position (GRCh38, 1-based): chr6:39,934,367, G>A on the plus strand (C>T on the coding strand, the complement: MOCS1 is on the minus strand). VCF-style: chr6-39934367-G-A. GRCh37 (hg19) VCF-style: chr6-39902106-G-A.
Other names: c.51C>T, p.Ser17= (NM_001075098.4, NM_001358529.2); c.-84C>T (NM_001358531.2, NM_001358533.2).
Identifiers: ClinVar variation 2418395 (VCV002418395.7), dbSNP rs1261423504, ClinGen allele CA450181055.

ClinVar aggregate classification (germline): Uncertain significance (1 of 4 stars; one submission).

Conditions:
Sulfite oxidase deficiency due to molybdenum cofactor deficiency type A. Also called: Molybdenum cofactor deficiency, complementation group A; Molybdenum Cofactor Deficiency A. Identifiers: Orphanet 308386, Orphanet 833, MedGen C1854988, MONDO:0009643, OMIM 252150.

gnomAD v4.1: 1 of 1,557,516 alleles (0.000064%); highest among the groups gnomAD compares: Non-Finnish European, 0.000086%; no homozygotes.

Submission:

Labcorp Genetics (formerly Invitae), Labcorp
Classification: Uncertain significance for Sulfite oxidase deficiency due to molybdenum cofactor deficiency type A. Last evaluated: 2022-07-04. Review status: criteria provided, single submitter. Criteria: Invitae Variant Classification Sherloc (09022015). Collection method: clinical testing. Allele origin: germline.
Comment: In summary, the available evidence is currently insufficient to determine the role of this variant in disease. Therefore, it has been classified as a Variant of Uncertain Significance. This variant has not been reported in the literature in individuals affected with MOCS1-related conditions. This variant is not present in population databases (gnomAD no frequency). This sequence change affects codon 17 of the MOCS1 mRNA. It is a 'silent' change, meaning that it does not change the encoded amino acid sequence of the MOCS1 protein.